The following is an entry in ClinVar:

ClinVar aggregate classification (germline): Uncertain significance (1 of 4 stars; one submission).

gnomAD v4.1: 1 of 1,613,570 alleles (0.000062%); no homozygotes.

Submission:

CeGaT Center for Human Genetics Tuebingen
Classification: Uncertain significance. Last evaluated: 2025-12-01. Review status: criteria provided, single submitter. Criteria: CeGaT Center For Human Genetics Tuebingen Variant Classification Criteria Version 2. Collection method: clinical testing. Allele origin: germline. Affected: yes. Observed: 1 variant allele.
Comment: TCF3: PM2

NM_003200.5(TCF3):c.1945A>G (p.Asn649Asp)

Gene: TCF3 (transcription factor 3; minus strand). Cytogenetic location: 19p13.3.
Variant type: single nucleotide variant.
Coding change: c.1945A>G on transcript NM_003200.5 (MANE Select); coding-DNA position 1945, A replaced by G.
Protein change: p.Asn649Asp; replaces asparagine 649 with aspartic acid.
Molecular consequence: missense variant.
Genome position (GRCh38, 1-based): chr19:1,611,727, T>C on the plus strand (A>G on the coding strand, the complement: TCF3 is on the minus strand). VCF-style: chr19-1611727-T-C. GRCh37 (hg19) VCF-style: chr19-1611726-T-C.
Other names: c.1942A>G, p.Asn648Asp (NM_001351778.2); c.1936A>G, p.Asn646Asp (NM_001351779.2, NM_001136139.4); short protein forms N646D, N648D, N649D.
Identifiers: ClinVar variation 4681752 (VCV004681752.5).
Genomic context (GRCh38, chr19:1,611,727, plus strand): 5'-GGGCTGAAAGCGGGTGGCTCGTCCCACGGAGGCATACCTTTCACATGTGCCCGGCGGGGT[T>C]GTGGGCTTCGCTCAGGCCTGGGTGGGGAGCTGAAAGCACCATCTGGGGGTCTCCAACCAC-3'
Protein context (NP_003191.1, residues 639-654): APHPGLSEAH[Asn649Asp]PAGHM